The following is an entry in ClinVar:

NM_014491.4(FOXP2):c.1437_1444del (p.His479fs)

Gene: FOXP2 (forkhead box P2; plus strand). Cytogenetic location: 7q31.1.
Variant type: Deletion.
Coding change: c.1437_1444del on transcript NM_014491.4 (MANE Select); coding-DNA positions 1437 to 1444, 8 bases deleted (TTCAGACA; older notation c.1437_1444delTTCAGACA).
Protein change: p.His479fs; shifts the reading frame from histidine 479.
Molecular consequence: frameshift variant. On other transcripts: non-coding transcript variant (1).
Genome position (GRCh38, 1-based): chr7:114,658,236-114,658,243, TTCAGACA deleted; deleting any 8 consecutive bases within chr7:114,658,232-114,658,243 gives the same sequence; the c. name uses the placement nearest the transcript's 3' end. VCF-style (leftmost placement, unchanged base first): chr7-114658231-CGACATTCA-C. GRCh37 (hg19) VCF-style: chr7-114298286-CGACATTCA-C.
Other names: c.1434_1441del, p.His478fs (NM_001172766.3); c.1512_1519del, p.His504fs (NM_148898.4); c.1488_1495del, p.His496fs (NM_148900.4); short protein forms H478fs, H479fs, H496fs, H504fs.
Identifiers: ClinVar variation 4087711 (VCV004087711.1).
Genomic context (GRCh38, chr7:114,658,231, plus strand): 5'-ACCCAGGGACCCTCAGTAATCACCCCAGCCAGTGTGCCCAATGTGGGAGCCATACGAAGG[CGACATTCA>C]GACAAATACAACATTCCCATGTCATCAGGTAGGATATGAATGCTCAGTAGAGCACTTTTA-3'

ClinVar aggregate classification (germline): Likely pathogenic (1 of 4 stars; one submission).

Conditions:
Childhood apraxia of speech (SPCH1). Also called: DEVELOPMENTAL VERBAL DYSPRAXIA; SPEECH AND LANGUAGE DISORDER WITH OROFACIAL DYSPRAXIA; FOXP2-Related Speech and Language Disorder; Speech language disorder. Identifiers: Orphanet 209908, MedGen C0750927, MONDO:0011184, OMIM 602081.

Submission:

Molecular Genetics Laboratory, Motol Hospital
Classification: Likely pathogenic for Childhood apraxia of speech. Last evaluated: 2025-09-26. Review status: criteria provided, single submitter. Criteria: ACMG Guidelines, 2015. Collection method: clinical testing. Allele origin: germline. Affected: yes. Observed: 1 variant allele.
Comment: Not present in gnomAD (v4.1.0), dbSNP or ClinVar (PM2). Rare truncating variants affecting the FOXP2 gene are associated with autosomal dominant "speech-language disorder 1" (SPCH1; MIM:602081;PMID:38418803;PMID:22106036;PMID:15877281) (PVS1). To conclude, the variant is classified as pathogenic (ACMG PM2, PP4, PVS1).

Literature cited by the submitters: PubMed 38418803; PubMed 22106036; PubMed 15877281.